The following is an entry in ClinVar:

ClinVar aggregate classification (germline): Uncertain significance. Review status: criteria provided, multiple submitters, no conflicts (2 of 4 stars). 2 submissions from 2 submitters: Uncertain significance (2). Last evaluated 2024-11-11.

Conditions:
Diamond-Blackfan anemia. Also called: Blackfan Diamond syndrome; Aregenerative anemia chronic congenital; Red cell aplasia, pure hereditary; Congenital hypoplastic anemia; Aase syndrome. Identifiers: Orphanet 124, MedGen C1260899, MeSH D029503, MONDO:0015253, HP:0004810.
GATA binding protein 1 related thrombocytopenia with dyserythropoiesis. Also called: GATA1-Related X-Linked Cytopenia; GATA1-Related Cytopenia. Identifiers: MedGen C1845837, MONDO:0100089.

Allele frequency attached by ClinVar (database versions not stated): gnomAD exomes below 0.00001; TOPMed 0.00001; gnomAD 0.00004.
gnomAD v4.1: 10 of 1,205,950 alleles (0.00083%); highest among the groups gnomAD compares: African/African-American, 0.007%; no homozygotes.

Submissions (2):

Labcorp Genetics (formerly Invitae), Labcorp
Classification: Uncertain significance for GATA binding protein 1 related thrombocytopenia with dyserythropoiesis; Diamond-Blackfan anemia. Last evaluated: 2024-11-11. Review status: criteria provided, single submitter. Criteria: Invitae Variant Classification Sherloc (09022015). Collection method: clinical testing. Allele origin: germline.
Comment: This sequence change replaces glutamic acid, which is acidic and polar, with lysine, which is basic and polar, at codon 328 of the GATA1 protein (p.Glu328Lys). This variant is not present in population databases (gnomAD no frequency). This variant has not been reported in the literature in individuals affected with GATA1-related conditions. ClinVar contains an entry for this variant (Variation ID: 435276). Invitae Evidence Modeling of protein sequence and biophysical properties (such as structural, functional, and spatial information, amino acid conservation, physicochemical variation, residue mobility, and thermodynamic stability) indicates that this missense variant is not expected to disrupt GATA1 protein function with a negative predictive value of 95%. In summary, the available evidence is currently insufficient to determine the role of this variant in disease. Therefore, it has been classified as a Variant of Uncertain Significance.

Genetic Services Laboratory, University of Chicago
Classification: Uncertain significance. Last evaluated: 2016-11-17. Review status: criteria provided, single submitter. Criteria: ACMG Guidelines, 2015. Collection method: clinical testing. Allele origin: germline. Affected: no.

NM_002049.4(GATA1):c.982G>A (p.Glu328Lys)

Gene: GATA1 (GATA binding protein 1; plus strand). Cytogenetic location: Xp11.23.
Variant type: single nucleotide variant.
Coding change: c.982G>A on transcript NM_002049.4 (MANE Select); coding-DNA position 982, G replaced by A.
Protein change: p.Glu328Lys; replaces glutamic acid 328 with lysine.
Molecular consequence: missense variant.
Genome position (GRCh38, 1-based): chrX:48,793,904, G>A. VCF-style: chrX-48793904-G-A. GRCh37 (hg19) VCF-style: chrX-48652311-G-A.
Other names: short protein forms E328K.
Identifiers: ClinVar variation 435276 (VCV000435276.14), dbSNP rs1418790540, ClinGen allele CA412871695.